The following is an entry in ClinVar:

ClinVar aggregate classification (germline): Uncertain significance. Review status: criteria provided, multiple submitters, no conflicts (2 of 4 stars). 2 submissions from 2 submitters: Uncertain significance (2). Last evaluated 2024-04-29.

Conditions:
Dilated cardiomyopathy 1HH (CMD1HH). Identifiers: Orphanet 154, MedGen C3151293, MONDO:0013479, OMIM 613881.
Myofibrillar myopathy 6. Identifiers: Orphanet 199340, MedGen C2751831, MONDO:0013061, OMIM 612954.

Submissions (2):

Labcorp Genetics (formerly Invitae), Labcorp
Classification: Uncertain significance for Dilated cardiomyopathy 1HH; Myofibrillar myopathy 6. Last evaluated: 2024-04-29. Review status: criteria provided, single submitter. Criteria: Invitae Variant Classification Sherloc (09022015). Collection method: clinical testing. Allele origin: germline.
Comment: This sequence change replaces alanine, which is neutral and non-polar, with glutamic acid, which is acidic and polar, at codon 126 of the BAG3 protein (p.Ala126Glu). This variant is not present in population databases (gnomAD no frequency). This variant has not been reported in the literature in individuals affected with BAG3-related conditions. Advanced modeling of protein sequence and biophysical properties (such as structural, functional, and spatial information, amino acid conservation, physicochemical variation, residue mobility, and thermodynamic stability) performed at Invitae indicates that this missense variant is not expected to disrupt BAG3 protein function with a negative predictive value of 80%. In summary, the available evidence is currently insufficient to determine the role of this variant in disease. Therefore, it has been classified as a Variant of Uncertain Significance.

GeneDx
Classification: Uncertain significance. Last evaluated: 2023-06-27. Review status: criteria provided, single submitter. Criteria: GeneDx Variant Classification Process June 2021. Collection method: clinical testing. Allele origin: germline. Affected: yes.
Comment: Not observed at significant frequency in large population cohorts (gnomAD); In silico analysis supports that this missense variant does not alter protein structure/function; Has not been previously published as pathogenic or benign to our knowledge

NM_004281.4(BAG3):c.377C>A (p.Ala126Glu)

Gene: BAG3 (BAG cochaperone 3; plus strand). Cytogenetic location: 10q26.11.
Variant type: single nucleotide variant.
Coding change: c.377C>A on transcript NM_004281.4 (MANE Select); coding-DNA position 377, C replaced by A.
Protein change: p.Ala126Glu; replaces alanine 126 with glutamic acid.
Molecular consequence: missense variant.
Genome position (GRCh38, 1-based): chr10:119,670,047, C>A. VCF-style: chr10-119670047-C-A. GRCh37 (hg19) VCF-style: chr10-121429559-C-A.
Other names: short protein forms A126E.
Identifiers: ClinVar variation 3360400 (VCV003360400.3).